The following is an entry in ClinVar:

NM_000535.7(PMS2):c.1536C>T (p.Gly512=)

Gene: PMS2 (PMS1 homolog 2, mismatch repair system component; minus strand). Cytogenetic location: 7p22.1.
Variant type: single nucleotide variant.
Coding change: c.1536C>T on transcript NM_000535.7 (MANE Select); coding-DNA position 1536, C replaced by T.
Protein change: p.Gly512=; no amino-acid change (glycine 512 retained).
Molecular consequence: synonymous variant. On other transcripts: non-coding transcript variant (1).
Genome position (GRCh38, 1-based): chr7:5,987,229, G>A on the plus strand (C>T on the coding strand, the complement: PMS2 is on the minus strand). VCF-style: chr7-5987229-G-A. GRCh37 (hg19) VCF-style: chr7-6026860-G-A.
Other names: c.1131C>T, p.Gly377= (NM_001322003.2, NM_001322004.2, NM_001322005.2 and 1 more transcripts); c.1380C>T, p.Gly460= (NM_001322006.2); c.1218C>T, p.Gly406= (NM_001322007.2, NM_001322008.2); c.975C>T, p.Gly325= (NM_001322010.2); c.603C>T, p.Gly201= (NM_001322011.2, NM_001322012.2); c.963C>T, p.Gly321= (NM_001322013.2); c.1536C>T, p.Gly512= (NM_001322014.2); c.1227C>T, p.Gly409= (NM_001322015.2).
Identifiers: ClinVar variation 388558 (VCV000388558.50), dbSNP rs1057523150, ClinGen allele CA16605242.

ClinVar aggregate classification (germline): Benign/Likely benign. Review status: criteria provided, multiple submitters, no conflicts (2 of 4 stars). 7 submissions from 7 submitters: Benign (1); Likely benign (6). Last evaluated 2025-03-14.

Conditions:
Hereditary cancer-predisposing syndrome. Also called: Neoplastic Syndromes, Hereditary; Hereditary neoplastic syndrome; Tumor predisposition; Hereditary Cancer Syndrome. Identifiers: Orphanet 140162, MedGen C0027672, MeSH D009386, MONDO:0015356.
Hereditary nonpolyposis colorectal neoplasms. Identifiers: MedGen C0009405, MeSH D003123.
Lynch syndrome 4 (LYNCH4). Also called: Colorectal cancer, hereditary nonpolyposis, type 4; Hereditary non-polyposis colorectal cancer, type 4. Identifiers: Orphanet 144, MedGen C1838333, MONDO:0013699, OMIM 614337. Disease mechanism: loss of function.

Submissions (7):

Labcorp Genetics (formerly Invitae), Labcorp
Classification: Likely benign for Hereditary nonpolyposis colorectal neoplasms. Last evaluated: 2025-03-14. Review status: criteria provided, single submitter. Criteria: Invitae Variant Classification Sherloc (09022015). Collection method: clinical testing. Allele origin: germline.

Myriad Genetics, Inc.
Classification: Benign for Lynch syndrome 4. Last evaluated: 2025-01-30. Review status: criteria provided, single submitter. Criteria: Myriad Autosomal Dominant, Autosomal Recessive and X-Linked Classification Criteria (2023). Collection method: clinical testing. Allele origin: unknown.
Comment: This variant is considered benign. This variant is a silent/synonymous amino acid change and it is not expected to impact splicing.

Ambry Genetics
Classification: Likely benign for Hereditary cancer-predisposing syndrome. Last evaluated: 2025-01-19. Review status: criteria provided, single submitter. Criteria: Ambry Variant Classification Scheme 2023. Collection method: clinical testing. Allele origin: germline.

Blueprint Genetics
Classification: Likely benign. Last evaluated: 2024-11-07. Review status: criteria provided, single submitter. Criteria: ACMG Guidelines, 2015. Collection method: clinical testing. Allele origin: germline.

Color Diagnostics, LLC DBA Color Health
Classification: Likely benign for Hereditary cancer-predisposing syndrome. Last evaluated: 2023-10-02. Review status: criteria provided, single submitter. Criteria: ACMG Guidelines, 2015. Collection method: clinical testing. Allele origin: germline.

CeGaT Center for Human Genetics Tuebingen
Classification: Likely benign. Last evaluated: 2023-04-01. Review status: criteria provided, single submitter. Criteria: CeGaT Center For Human Genetics Tuebingen Variant Classification Criteria Version 2. Collection method: clinical testing. Allele origin: germline. Affected: yes. Observed: 2 variant alleles.
Comment: PMS2: PM2:Supporting, BP4, BP7

GeneDx
Classification: Likely benign. Last evaluated: 2017-07-06. Review status: criteria provided, single submitter. Criteria: GeneDx Variant Classification (06012015). Collection method: clinical testing. Allele origin: germline. Affected: yes.
Comment: This variant is considered likely benign or benign based on one or more of the following criteria: it is a conservative change, it occurs at a poorly conserved position in the protein, it is predicted to be benign by multiple in silico algorithms, and/or has population frequency not consistent with disease.